The following is an entry in ClinVar:

ClinVar aggregate classification (germline): Uncertain significance (1 of 4 stars; one submission).

Conditions:
Charcot-Marie-Tooth disease type 4. Also called: Charcot-Marie-Tooth disease, type IV; Charcot-Marie-Tooth, Type 4. Identifiers: Orphanet 64749, MedGen C4082197, MONDO:0018995.

Submission:

Labcorp Genetics (formerly Invitae), Labcorp
Classification: Uncertain significance for Charcot-Marie-Tooth disease type 4. Last evaluated: 2022-07-19. Review status: criteria provided, single submitter. Criteria: Invitae Variant Classification Sherloc (09022015). Collection method: clinical testing. Allele origin: germline.
Comment: Algorithms developed to predict the effect of missense changes on protein structure and function are either unavailable or do not agree on the potential impact of this missense change (SIFT: "Tolerated"; PolyPhen-2: "Probably Damaging"; Align-GVGD: "Class C0"). This variant has not been reported in the literature in individuals affected with SBF2-related conditions. This variant is not present in population databases (gnomAD no frequency). This sequence change replaces glycine, which is neutral and non-polar, with arginine, which is basic and polar, at codon 138 of the SBF2 protein (p.Gly138Arg). In summary, the available evidence is currently insufficient to determine the role of this variant in disease. Therefore, it has been classified as a Variant of Uncertain Significance.

NM_030962.4(SBF2):c.412G>C (p.Gly138Arg)

Gene: SBF2 (SET binding factor 2; minus strand). Cytogenetic location: 11p15.4.
Variant type: single nucleotide variant.
Coding change: c.412G>C on transcript NM_030962.4 (MANE Select); coding-DNA position 412, G replaced by C.
Protein change: p.Gly138Arg; replaces glycine 138 with arginine.
Molecular consequence: missense variant.
Genome position (GRCh38, 1-based): chr11:10,029,866, C>G on the plus strand (G>C on the coding strand, the complement: SBF2 is on the minus strand). VCF-style: chr11-10029866-C-G. GRCh37 (hg19) VCF-style: chr11-10051413-C-G.
Other names: c.412G>C, p.Gly138Arg (NM_001386339.1, NM_001386342.1); short protein forms G138R.
Identifiers: ClinVar variation 1718317 (VCV001718317.6), dbSNP rs375275099, ClinGen allele CA379646489.